The following is an entry in ClinVar:

NM_006031.6(PCNT):c.3586G>A (p.Ala1196Thr)

Gene: PCNT (pericentrin; plus strand). Cytogenetic location: 21q22.3.
Variant type: single nucleotide variant.
Coding change: c.3586G>A on transcript NM_006031.6 (MANE Select); coding-DNA position 3586, G replaced by A.
Protein change: p.Ala1196Thr; replaces alanine 1196 with threonine.
Molecular consequence: missense variant.
Genome position (GRCh38, 1-based): chr21:46,388,863, G>A. VCF-style: chr21-46388863-G-A. GRCh37 (hg19) VCF-style: chr21-47808778-G-A.
Other names: c.3586G>A (NM_006031.5); c.3232G>A, p.Ala1078Thr (NM_001315529.2); short protein forms A1078T, A1196T.
Identifiers: ClinVar variation 2171140 (VCV002171140.5), dbSNP rs758277603, ClinGen allele CA10079361.
Genomic context (GRCh38, chr21:46,388,863, plus strand): 5'-GCCGTCACCCTGAGGAGCCGGATCGGGGAGCGCGTGGGGCTCTGCCTGGATGACGCGGGC[G>A]CAGGCCTGGCCCTGTCGACAGGTGAGTGTGCCGGGACCAGCTGCCCAGCCCTGTGCTTGC-3'
Protein context (NP_006022.3, residues 1186-1206): RVGLCLDDAG[Ala1196Thr]GLALSTAPAL

ClinVar aggregate classification (germline): Uncertain significance. Review status: criteria provided, multiple submitters, no conflicts (2 of 4 stars). 2 submissions from 2 submitters: Uncertain significance (2). Last evaluated 2026-07-16.

Conditions:
PCNT-related disorder. Also called: PCNT-related condition.

Allele frequency attached by ClinVar (database versions not stated): gnomAD 0.00008; TOPMed 0.00009; gnomAD exomes 0.00012; ExAC 0.00017.
gnomAD v4.1: 187 of 1,606,472 alleles (0.012%); highest among the groups gnomAD compares: Middle Eastern, 0.021%; 1 homozygote.

Submissions (2):

PreventionGenetics, part of Exact Sciences
Classification: Uncertain significance for PCNT-related condition. Last evaluated: 2026-07-16. Review status: criteria provided, single submitter. Criteria: ACMG Guidelines, 2015. Collection method: clinical testing. Allele origin: germline.
Comment: The PCNT c.3586G>A variant is predicted to result in the amino acid substitution p.Ala1196Thr. To our knowledge, this variant has not been reported in the literature in individuals with PCNT-related disorders. This variant is reported in 0.018% of alleles in individuals of European (non-Finnish) descent in gnomAD. At this time, the clinical significance of this variant is uncertain due to the absence of conclusive functional and genetic evidence.

Labcorp Genetics (formerly Invitae), Labcorp
Classification: Uncertain significance. Last evaluated: 2024-12-02. Review status: criteria provided, single submitter. Criteria: Invitae Variant Classification Sherloc (09022015). Collection method: clinical testing. Allele origin: germline.
Comment: This sequence change replaces alanine, which is neutral and non-polar, with threonine, which is neutral and polar, at codon 1196 of the PCNT protein (p.Ala1196Thr). This variant is present in population databases (rs758277603, gnomAD 0.02%). This variant has not been reported in the literature in individuals affected with PCNT-related conditions. ClinVar contains an entry for this variant (Variation ID: 2171140). An algorithm developed to predict the effect of missense changes on protein structure and function outputs the following: PolyPhen-2: "Benign". The threonine amino acid residue is found in multiple mammalian species, which suggests that this missense change does not adversely affect protein function. In summary, the available evidence is currently insufficient to determine the role of this variant in disease. Therefore, it has been classified as a Variant of Uncertain Significance.